The following is an entry in ClinVar:

ClinVar aggregate classification (germline): Uncertain significance (1 of 4 stars; one submission).

Conditions:
Cardiovascular phenotype. Identifiers: MedGen CN230736.

gnomAD v4.1: 1 of 1,600,686 alleles (0.000062%); no homozygotes.

Submission:

Ambry Genetics
Classification: Uncertain significance for Cardiovascular phenotype. Last evaluated: 2026-03-23. Review status: criteria provided, single submitter. Criteria: Ambry Variant Classification Scheme 2023. Collection method: clinical testing. Allele origin: germline.
Comment: The p.D3309N variant (also known as c.9925G>A), located in coding exon 28 of the TNXB gene, results from a G to A substitution at nucleotide position 9925. The aspartic acid at codon 3309 is replaced by asparagine, an amino acid with highly similar properties. This amino acid position is conserved. In addition, this alteration is predicted to be tolerated by in silico analysis. Based on the available evidence, the clinical significance of this variant remains unclear.

NM_001365276.2(TNXB):c.9931G>A (p.Asp3311Asn)

Gene: TNXB (tenascin XB; minus strand). Cytogenetic location: 6p21.33.
Variant type: single nucleotide variant.
Coding change: c.9931G>A on transcript NM_001365276.2 (MANE Select); coding-DNA position 9931, G replaced by A.
Protein change: p.Asp3311Asn; replaces aspartic acid 3311 with asparagine.
Molecular consequence: missense variant.
Genome position (GRCh38, 1-based): chr6:32,048,477, C>T on the plus strand (G>A on the coding strand, the complement: TNXB is on the minus strand). VCF-style: chr6-32048477-C-T. GRCh37 (hg19) VCF-style: chr6-32016254-C-T.
Other names: c.10672G>A, p.Asp3558Asn (NM_001428335.1); c.9925G>A, p.Asp3309Asn (NM_019105.8); short protein forms D3309N, D3311N, D3558N.
Identifiers: ClinVar variation 4865806 (VCV004865806.1).